The following is an entry in ClinVar:

NM_139276.3(STAT3):c.1182G>A (p.Met394Ile)

Gene: STAT3 (signal transducer and activator of transcription 3; minus strand). Cytogenetic location: 17q21.2.
Variant type: single nucleotide variant.
Coding change: c.1182G>A on transcript NM_139276.3 (MANE Select); coding-DNA position 1182, G replaced by A.
Protein change: p.Met394Ile; replaces methionine 394 with isoleucine.
Molecular consequence: missense variant.
Genome position (GRCh38, 1-based): chr17:42,329,605, C>T on the plus strand (G>A on the coding strand, the complement: STAT3 is on the minus strand). VCF-style: chr17-42329605-C-T. GRCh37 (hg19) VCF-style: chr17-40481623-C-T.
Other names: c.1182G>A, p.Met394Ile (NM_001369512.1, NM_001369513.1, NM_001369514.1 and 12 more transcripts); c.1104G>A, p.Met368Ile (NM_001384985.1); c.1197G>A, p.Met399Ile (NM_001384986.1, NM_001384990.1); c.1086G>A, p.Met362Ile (NM_001384989.1); c.1122G>A, p.Met374Ile (NM_001384992.1); short protein forms M362I, M368I, M374I, M394I, M399I.
Identifiers: ClinVar variation 1067042 (VCV001067042.9), dbSNP rs2144773624, ClinGen allele CA399588917.

ClinVar aggregate classification (germline): Likely pathogenic (1 of 4 stars; one submission).

Conditions:
STAT3 gain of function. Identifiers: MedGen C4288261.
Hyper-IgE recurrent infection syndrome 1, autosomal dominant. Also called: JOB SYNDROME; STAT3 Hyper IgE Syndrome; Job's Syndrome; Hyper-IgE recurrent infection syndrome 1; HYPER-IgE SYNDROME 1, AUTOSOMAL DOMINANT, WITH RECURRENT INFECTIONS. Identifiers: Orphanet 2314, MedGen C2936739, MONDO:0007818, OMIM 147060.

Submission:

Labcorp Genetics (formerly Invitae), Labcorp
Classification: Likely pathogenic for STAT3 gain of function; Hyper-IgE recurrent infection syndrome 1, autosomal dominant. Last evaluated: 2020-10-24. Review status: criteria provided, single submitter. Criteria: Invitae Variant Classification Sherloc (09022015). Collection method: clinical testing. Allele origin: germline.
Comment: This variant has not been reported in the literature in individuals with STAT3-related conditions. This variant is not present in population databases (ExAC no frequency). This sequence change replaces methionine with isoleucine at codon 394 of the STAT3 protein (p.Met394Ile). The methionine residue is moderately conserved and there is a small physicochemical difference between methionine and isoleucine. Advanced modeling of protein sequence and biophysical properties (such as structural, functional, and spatial information, amino acid conservation, physicochemical variation, residue mobility, and thermodynamic stability) performed at Invitae indicates that this missense variant is expected to disrupt STAT3 protein function. In summary, the currently available evidence indicates that the variant is pathogenic, but additional data are needed to prove that conclusively. Therefore, this variant has been classified as Likely Pathogenic. This variant disrupts the p.Met394 amino acid residue in STAT3. Other variant(s) that disrupt this residue have been determined to be pathogenic (PMID: 28579554). This suggests that this residue is clinically significant, and that variants that disrupt this residue are likely to be disease-causing.

Literature cited by the submitters: PubMed 28579554.